The following is an entry in ClinVar:

ClinVar aggregate classification (germline): Uncertain significance. Review status: criteria provided, multiple submitters, no conflicts (2 of 4 stars). 2 submissions from 2 submitters: Uncertain significance (2). Last evaluated 2026-04-02.

Conditions:
Autosomal recessive limb-girdle muscular dystrophy type 2J (LGMDR10). Also called: Limb-girdle muscular dystrophy, type 2J; MUSCULAR DYSTROPHY, LIMB-GIRDLE, AUTOSOMAL RECESSIVE 10. Identifiers: Orphanet 140922, MedGen C1837342, MONDO:0012127, OMIM 608807.
Dilated cardiomyopathy 1G (CMD1G). Identifiers: Orphanet 154, MedGen C1858763, MONDO:0011400, OMIM 604145.
TTN-related disorder. Also called: TTN-related condition; TTN-related disease; TTN-related disorders.

Allele frequency attached by ClinVar (database versions not stated): gnomAD exomes 0.00004; ExAC 0.00006; gnomAD 0.00010 and 0.00013; TOPMed 0.00012; ESP Exome Variant Server 0.00017; 1000 Genomes Project 0.00040; 1000 Genomes Project 30x 0.00047.
gnomAD v4.1: 21 of 1,612,324 alleles (0.0013%); highest among the groups gnomAD compares: African/African-American, 0.023%; no homozygotes.

Submissions (2):

PreventionGenetics, part of Exact Sciences
Classification: Uncertain significance for TTN-related condition. Last evaluated: 2026-04-02. Review status: criteria provided, single submitter. Criteria: ACMG Guidelines, 2015. Collection method: clinical testing. Allele origin: germline.
Comment: The TTN c.36490C>A variant is predicted to result in the amino acid substitution p.Pro12164Thr. This variant has been reported to be associated with electrocardiographic QT interval variation in a population-based cohort study; however, no additional studies were performed to help assess the pathogenicity of this variant (Kapoor et al. 2016. PubMed ID: 27321809). This variant is reported in 0.047% of alleles in individuals of African descent in gnomAD. At this time, the clinical significance of this variant is uncertain due to the absence of conclusive functional and genetic evidence.

Labcorp Genetics (formerly Invitae), Labcorp
Classification: Uncertain significance for Dilated cardiomyopathy 1G; Autosomal recessive limb-girdle muscular dystrophy type 2J. Last evaluated: 2017-05-19. Review status: criteria provided, single submitter. Criteria: Invitae Variant Classification Sherloc (09022015). Collection method: clinical testing. Allele origin: germline.

NM_001267550.2(TTN):c.36490C>A (p.Pro12164Thr)

Gene: TTN (titin; minus strand). Cytogenetic location: 2q31.2.
Variant type: single nucleotide variant.
Coding change: c.36490C>A on transcript NM_001267550.2 (MANE Select); coding-DNA position 36490, C replaced by A.
Protein change: p.Pro12164Thr; replaces proline 12164 with threonine.
Molecular consequence: missense variant. On other transcripts: intron variant (5).
Genome position (GRCh38, 1-based): chr2:178,663,669, G>T on the plus strand (C>A on the coding strand, the complement: TTN is on the minus strand). VCF-style: chr2-178663669-G-T. GRCh37 (hg19) VCF-style: chr2-179528396-G-T.
Other names: c.13283-21352C>A (NM_003319.4); c.13859-21352C>A (NM_133437.4); c.13658-21352C>A (NM_133432.3); c.31484-614C>A (NM_133378.4); c.34265-614C>A (NM_001256850.1); short protein forms P12164T.
Identifiers: ClinVar variation 467072 (VCV000467072.4), dbSNP rs373422655, ClinGen allele CA1997444.